The following is an entry in ClinVar:

ClinVar aggregate classification (germline): Uncertain significance (1 of 4 stars; one submission).

Conditions:
PHGDH deficiency. Identifiers: Orphanet 79351, MedGen C1866174, MONDO:0011152, OMIM 601815.

Submission:

Labcorp Genetics (formerly Invitae), Labcorp
Classification: Uncertain significance for PHGDH deficiency. Last evaluated: 2023-07-17. Review status: criteria provided, single submitter. Criteria: Invitae Variant Classification Sherloc (09022015). Collection method: clinical testing. Allele origin: germline.
Comment: This sequence change replaces histidine, which is basic and polar, with arginine, which is basic and polar, at codon 524 of the PHGDH protein (p.His524Arg). This variant is not present in population databases (gnomAD no frequency). This variant has not been reported in the literature in individuals affected with PHGDH-related conditions. ClinVar contains an entry for this variant (Variation ID: 1400169). Advanced modeling of protein sequence and biophysical properties (such as structural, functional, and spatial information, amino acid conservation, physicochemical variation, residue mobility, and thermodynamic stability) performed at Invitae indicates that this missense variant is expected to disrupt PHGDH protein function. In summary, the available evidence is currently insufficient to determine the role of this variant in disease. Therefore, it has been classified as a Variant of Uncertain Significance.

NM_006623.4(PHGDH):c.1571A>G (p.His524Arg)

Gene: PHGDH (phosphoglycerate dehydrogenase; plus strand). Cytogenetic location: 1p12.
Variant type: single nucleotide variant.
Coding change: c.1571A>G on transcript NM_006623.4 (MANE Select); coding-DNA position 1571, A replaced by G.
Protein change: p.His524Arg; replaces histidine 524 with arginine.
Molecular consequence: missense variant.
Genome position (GRCh38, 1-based): chr1:119,744,009, A>G. VCF-style: chr1-119744009-A-G. GRCh37 (hg19) VCF-style: chr1-120286632-A-G.
Other names: short protein forms H524R.
Identifiers: ClinVar variation 1400169 (VCV001400169.6), dbSNP rs2101229584, ClinGen allele CA341854778.
Genomic context (GRCh38, chr1:119,744,009, plus strand): 5'-AGACCTGGCACGTCATGGGCATCTCCTCCTTGCTGCCCAGCCTGGAAGCGTGGAAGCAGC[A>G]TGTGACTGAAGCCTTCCAGTTCCACTTCTAACCTTGGAGCTCACTGGTCCCTGCCTCTGG-3'
Protein context (NP_006614.2, residues 514-533): LLPSLEAWKQ[His524Arg]VTEAFQFHF